The following is an entry in ClinVar:

NM_020778.5(ALPK3):c.2561G>T (p.Gly854Val)

Gene: ALPK3 (alpha kinase 3; plus strand). Cytogenetic location: 15q25.3.
Variant type: single nucleotide variant.
Coding change: c.2561G>T on transcript NM_020778.5 (MANE Select); coding-DNA position 2561, G replaced by T.
Protein change: p.Gly854Val; replaces glycine 854 with valine.
Molecular consequence: missense variant.
Genome position (GRCh38, 1-based): chr15:84,857,299, G>T. VCF-style: chr15-84857299-G-T. GRCh37 (hg19) VCF-style: chr15-85400530-G-T.
Other names: short protein forms G854V.
Identifiers: ClinVar variation 4743726 (VCV004743726.1).

ClinVar aggregate classification (germline): Uncertain significance (1 of 4 stars; one submission).

gnomAD v4.1: 1 of 1,614,082 alleles (0.000062%); highest among the groups gnomAD compares: South Asian, 0.0011%; no homozygotes.

Submission:

Labcorp Genetics (formerly Invitae), Labcorp
Classification: Uncertain significance. Last evaluated: 2025-11-17. Review status: criteria provided, single submitter. Criteria: Invitae Variant Classification Sherloc (09022015). Collection method: clinical testing. Allele origin: germline.
Comment: This sequence change replaces glycine, which is neutral and non-polar, with valine, which is neutral and non-polar, at codon 1056 of the ALPK3 protein (p.Gly1056Val). This variant is present in population databases (rs572169625, gnomAD 0.003%). This variant has not been reported in the literature in individuals affected with ALPK3-related conditions. Invitae Evidence Modeling of protein sequence and biophysical properties (such as structural, functional, and spatial information, amino acid conservation, physicochemical variation, residue mobility, and thermodynamic stability) indicates that this missense variant is not expected to disrupt ALPK3 protein function with a negative predictive value of 80%. In summary, the available evidence is currently insufficient to determine the role of this variant in disease. Therefore, it has been classified as a Variant of Uncertain Significance.